The following is an entry in ClinVar:

NM_001621.5(AHR):c.145C>T (p.Arg49Cys)

Gene: AHR (aryl hydrocarbon receptor; plus strand). Cytogenetic location: 7p21.1.
Variant type: single nucleotide variant.
Coding change: c.145C>T on transcript NM_001621.5 (MANE Select); coding-DNA position 145, C replaced by T.
Protein change: p.Arg49Cys; replaces arginine 49 with cysteine.
Molecular consequence: missense variant.
Genome position (GRCh38, 1-based): chr7:17,310,015, C>T. VCF-style: chr7-17310015-C-T. GRCh37 (hg19) VCF-style: chr7-17349639-C-T.
Other names: short protein forms R49C.
Identifiers: ClinVar variation 937920 (VCV000937920.9), dbSNP rs765854852, ClinGen allele CA366887881.

ClinVar aggregate classification (germline): Uncertain significance (1 of 4 stars; one submission).

gnomAD v4.1: 3 of 1,613,828 alleles (0.00019%); highest among the groups gnomAD compares: Middle Eastern, 0.017%; no homozygotes.

Submission:

Labcorp Genetics (formerly Invitae), Labcorp
Classification: Uncertain significance. Last evaluated: 2022-02-11. Review status: criteria provided, single submitter. Criteria: Invitae Variant Classification Sherloc (09022015). Collection method: clinical testing. Allele origin: germline.
Comment: This variant has not been reported in the literature in individuals affected with AHR-related conditions. ClinVar contains an entry for this variant (Variation ID: 937920). Algorithms developed to predict the effect of missense changes on protein structure and function are either unavailable or do not agree on the potential impact of this missense change (SIFT: "Deleterious"; PolyPhen-2: "Probably Damaging"; Align-GVGD: "Class C15"). In summary, the available evidence is currently insufficient to determine the role of this variant in disease. Therefore, it has been classified as a Variant of Uncertain Significance. This variant is not present in population databases (gnomAD no frequency). This sequence change replaces arginine, which is basic and polar, with cysteine, which is neutral and slightly polar, at codon 49 of the AHR protein (p.Arg49Cys).